The following is an entry in ClinVar:

NM_017780.4(CHD7):c.8933G>C (p.Gly2978Ala)

Gene: CHD7 (chromodomain helicase DNA binding protein 7; plus strand). Cytogenetic location: 8q12.2.
Variant type: single nucleotide variant.
Coding change: c.8933G>C on transcript NM_017780.4 (MANE Select); coding-DNA position 8933, G replaced by C.
Protein change: p.Gly2978Ala; replaces glycine 2978 with alanine.
Molecular consequence: missense variant.
Genome position (GRCh38, 1-based): chr8:60,865,872, G>C. VCF-style: chr8-60865872-G-C. GRCh37 (hg19) VCF-style: chr8-61778431-G-C.
Other names: c.2786G>C, p.Gly929Ala (NM_001316690.1); short protein forms G929A, G2978A.
Identifiers: ClinVar variation 2913797 (VCV002913797.5), dbSNP rs1392645019, ClinGen allele CA371313310.

ClinVar aggregate classification (germline): Uncertain significance. Review status: criteria provided, multiple submitters, no conflicts (2 of 4 stars). 3 submissions from 3 submitters: Uncertain significance (3). Last evaluated 2025-02-28.

Conditions:
CHARGE syndrome (CHARGE). Also called: Hittner Hirsch Kreh syndrome; CHARGE ASSOCIATION--COLOBOMA, HEART ANOMALY, CHOANAL ATRESIA, RETARDATION, GENITAL AND EAR ANOMALIES; Coloboma, heart anomaly, choanal atresia, retardation, genital and ear anomalies; CHARGE association; Hall-Hittner syndrome. Identifiers: Orphanet 138, MedGen C0265354, MONDO:0008965.
Hypogonadotropic hypogonadism 5 with or without anosmia (KAL5). Also called: CHD7-Related GnRH Deficiency (Kallmann Syndrome 5); HYPOGONADOTROPIC HYPOGONADISM 5 WITH ANOSMIA; HYPOGONADOTROPHIC HYPOGONADISM 5 WITHOUT ANOSMIA. Identifiers: Orphanet 478, MedGen C3552553, MONDO:0012880, OMIM 612370. Disease mechanism: loss of function.

Submissions (3):

Women's Health and Genetics/Laboratory Corporation of America, LabCorp
Classification: Uncertain significance. Last evaluated: 2025-02-28. Review status: criteria provided, single submitter. Criteria: LabCorp Variant Classification Summary - May 2015. Collection method: clinical testing. Allele origin: germline.

Labcorp Genetics (formerly Invitae), Labcorp
Classification: Uncertain significance for CHARGE syndrome. Last evaluated: 2024-04-08. Review status: criteria provided, single submitter. Criteria: Invitae Variant Classification Sherloc (09022015). Collection method: clinical testing. Allele origin: germline.
Comment: This sequence change replaces glycine, which is neutral and non-polar, with alanine, which is neutral and non-polar, at codon 2978 of the CHD7 protein (p.Gly2978Ala). This variant is not present in population databases (gnomAD no frequency). This variant has not been reported in the literature in individuals affected with CHD7-related conditions. Advanced modeling of protein sequence and biophysical properties (such as structural, functional, and spatial information, amino acid conservation, physicochemical variation, residue mobility, and thermodynamic stability) performed at Invitae indicates that this missense variant is not expected to disrupt CHD7 protein function with a negative predictive value of 95%. In summary, the available evidence is currently insufficient to determine the role of this variant in disease. Therefore, it has been classified as a Variant of Uncertain Significance.

Fulgent Genetics
Classification: Uncertain significance for CHD7-related CHARGE syndrome; Hypogonadotropic hypogonadism 5 with or without anosmia. Last evaluated: 2024-01-25. Review status: criteria provided, single submitter. Criteria: ACMG Guidelines, 2015. Collection method: clinical testing. Allele origin: germline.